The following is an entry in ClinVar:

NM_000302.4(PLOD1):c.1319G>T (p.Gly440Val)

Gene: PLOD1 (procollagen-lysine,2-oxoglutarate 5-dioxygenase 1; plus strand). Cytogenetic location: 1p36.22.
Variant type: single nucleotide variant.
Coding change: c.1319G>T on transcript NM_000302.4 (MANE Select); coding-DNA position 1319, G replaced by T.
Protein change: p.Gly440Val; replaces glycine 440 with valine.
Molecular consequence: missense variant.
Genome position (GRCh38, 1-based): chr1:11,964,291, G>T. VCF-style: chr1-11964291-G-T. GRCh37 (hg19) VCF-style: chr1-12024348-G-T.
Other names: c.1460G>T, p.Gly487Val (NM_001316320.2); short protein forms G440V, G487V.
Identifiers: ClinVar variation 2132404 (VCV002132404.4), dbSNP rs2522852622, ClinGen allele CA338441702.

ClinVar aggregate classification (germline): Uncertain significance (1 of 4 stars; one submission).

Conditions:
Ehlers-Danlos syndrome, kyphoscoliotic type 1 (EDSKSCL1). Also called: EHLERS-DANLOS SYNDROME, TYPE VIA; Ehlers-Danlos syndrome, hydroxylysine-deficient; PLOD1-Related Kyphoscoliotic Ehlers-Danlos Syndrome; EHLERS-DANLOS SYNDROME, OCULAR-SCOLIOTIC TYPE. Identifiers: Orphanet 1900, MedGen C0268342, MONDO:0016002, OMIM 225400. Disease mechanism: loss of function.

Submission:

Labcorp Genetics (formerly Invitae), Labcorp
Classification: Uncertain significance for Ehlers-Danlos syndrome, kyphoscoliotic type 1. Last evaluated: 2022-05-01. Review status: criteria provided, single submitter. Criteria: Invitae Variant Classification Sherloc (09022015). Collection method: clinical testing. Allele origin: germline.
Comment: This variant is not present in population databases (gnomAD no frequency). This variant has not been reported in the literature in individuals affected with PLOD1-related conditions. Algorithms developed to predict the effect of missense changes on protein structure and function (SIFT, PolyPhen-2, Align-GVGD) all suggest that this variant is likely to be tolerated. Algorithms developed to predict the effect of sequence changes on RNA splicing suggest that this variant may create or strengthen a splice site. In summary, the available evidence is currently insufficient to determine the role of this variant in disease. Therefore, it has been classified as a Variant of Uncertain Significance. This sequence change replaces glycine, which is neutral and non-polar, with valine, which is neutral and non-polar, at codon 440 of the PLOD1 protein (p.Gly440Val).